The following is an entry in ClinVar:

NM_001447.3(FAT2):c.3473A>C (p.Gln1158Pro)

Gene: FAT2 (FAT atypical cadherin 2; minus strand). Cytogenetic location: 5q33.1.
Variant type: single nucleotide variant.
Coding change: c.3473A>C on transcript NM_001447.3 (MANE Select); coding-DNA position 3473, A replaced by C.
Protein change: p.Gln1158Pro; replaces glutamine 1158 with proline.
Molecular consequence: missense variant.
Genome position (GRCh38, 1-based): chr5:151,563,426, T>G on the plus strand (A>C on the coding strand, the complement: FAT2 is on the minus strand). VCF-style: chr5-151563426-T-G. GRCh37 (hg19) VCF-style: chr5-150942987-T-G.
Other names: short protein forms Q1158P.
Identifiers: ClinVar variation 4752263 (VCV004752263.2).

ClinVar aggregate classification (germline): Likely benign. Review status: criteria provided, multiple submitters, no conflicts (2 of 4 stars). 2 submissions from 2 submitters: Likely benign (2). Last evaluated 2026-09-01.

gnomAD v4.1: 165 of 1,614,078 alleles (0.01%); highest among the groups gnomAD compares: Non-Finnish European, 0.0035%; no homozygotes.

Submissions (2):

CeGaT Center for Human Genetics Tuebingen
Classification: Likely benign. Last evaluated: 2026-09-01. Review status: criteria provided, single submitter. Criteria: CeGaT Center For Human Genetics Tuebingen Variant Classification Criteria Version 2. Collection method: clinical testing. Allele origin: germline. Affected: yes. Observed: 1 variant allele.
Comment: FAT2: PP2, BP4, BS2

Labcorp Genetics (formerly Invitae), Labcorp
Classification: Likely benign. Last evaluated: 2025-06-03. Review status: criteria provided, single submitter. Criteria: Invitae Variant Classification Sherloc (09022015). Collection method: clinical testing. Allele origin: germline.